The following is an entry in ClinVar:

ClinVar aggregate classification (germline): Uncertain significance (1 of 4 stars; one submission).

Conditions:
Hypertrophic cardiomyopathy. Also called: HYPERTROPHIC MYOCARDIOPATHY. Identifiers: Orphanet 217569, MedGen C0007194, MeSH D002312, MONDO:0005045, HP:0001639.

Submission:

Labcorp Genetics (formerly Invitae), Labcorp
Classification: Uncertain significance for Hypertrophic cardiomyopathy. Last evaluated: 2023-11-17. Review status: criteria provided, single submitter. Criteria: Invitae Variant Classification Sherloc (09022015). Collection method: clinical testing. Allele origin: germline.
Comment: This sequence change replaces glutamic acid, which is acidic and polar, with glycine, which is neutral and non-polar, at codon 1489 of the MYH7 protein (p.Glu1489Gly). This variant is not present in population databases (gnomAD no frequency). This missense change has been observed in individual(s) with hypertrophic cardiomyopathy (PMID: 24111713). Advanced modeling of protein sequence and biophysical properties (such as structural, functional, and spatial information, amino acid conservation, physicochemical variation, residue mobility, and thermodynamic stability) performed at Invitae indicates that this missense variant is expected to disrupt MYH7 protein function with a positive predictive value of 95%. In summary, the available evidence is currently insufficient to determine the role of this variant in disease. Therefore, it has been classified as a Variant of Uncertain Significance.

Literature cited by the submitters: PubMed 24111713.

NM_000257.4(MYH7):c.4466A>G (p.Glu1489Gly)

Genes: MHRT (myosin heavy chain associated RNA transcript; plus strand), MYH7 (myosin heavy chain 7; minus strand). Cytogenetic location: 14q11.2.
Variant type: single nucleotide variant.
Coding change: c.4466A>G on transcript NM_000257.4 (MANE Select); coding-DNA position 4466, A replaced by G.
Protein change: p.Glu1489Gly; replaces glutamic acid 1489 with glycine.
Molecular consequence: missense variant.
Genome position (GRCh38, 1-based): chr14:23,417,206, T>C on the plus strand (A>G on the coding strand, the complement: MYH7 is on the minus strand). VCF-style: chr14-23417206-T-C. GRCh37 (hg19) VCF-style: chr14-23886415-T-C.
Other names: c.4466A>G, p.Glu1489Gly (NM_001407004.1); short protein forms E1489G.
Identifiers: ClinVar variation 2736072 (VCV002736072.3), dbSNP rs2502250003, ClinGen allele CA389038352.